The following is an entry in ClinVar:

NM_001374828.1(ARID1B):c.4480-3C>T

Gene: ARID1B (AT-rich interaction domain 1B; plus strand). Cytogenetic location: 6q25.3.
Variant type: single nucleotide variant.
Coding change: c.4480-3C>T on transcript NM_001374828.1 (MANE Select); 3 bases into the intron before coding-DNA position 4480, C replaced by T.
Molecular consequence: intron variant.
Genome position (GRCh38, 1-based): chr6:157,200,702, C>T. VCF-style: chr6-157200702-C-T. GRCh37 (hg19) VCF-style: chr6-157521836-C-T.
Other names: c.4360-3C>T (NM_001371656.1, NM_001374820.1); c.4321-3C>T (NM_017519.3); c.1981-3C>T (NM_001363725.2).
Identifiers: ClinVar variation 2134751 (VCV002134751.4), dbSNP rs2538669138, ClinGen allele CA2580075309.

ClinVar aggregate classification (germline): Uncertain significance (1 of 4 stars; one submission).

Allele frequency attached by ClinVar (database versions not stated): gnomAD exomes below 0.00001.
gnomAD v4.1: 6 of 1,590,476 alleles (0.00038%); highest among the groups gnomAD compares: Non-Finnish European, 0.00051%; no homozygotes.

Submission:

Labcorp Genetics (formerly Invitae), Labcorp
Classification: Uncertain significance. Last evaluated: 2022-05-06. Review status: criteria provided, single submitter. Criteria: Invitae Variant Classification Sherloc (09022015). Collection method: clinical testing. Allele origin: germline.
Comment: In summary, the available evidence is currently insufficient to determine the role of this variant in disease. Therefore, it has been classified as a Variant of Uncertain Significance. Variants that disrupt the consensus splice site are a relatively common cause of aberrant splicing (PMID: 17576681, 9536098). Algorithms developed to predict the effect of sequence changes on RNA splicing suggest that this variant is not likely to affect RNA splicing. This variant has not been reported in the literature in individuals affected with ARID1B-related conditions. This variant is not present in population databases (gnomAD no frequency). This sequence change falls in intron 17 of the ARID1B gene. It does not directly change the encoded amino acid sequence of the ARID1B protein. It affects a nucleotide within the consensus splice site.

Literature cited by the submitters: PubMed 17576681; PubMed 9536098.